The following is an entry in ClinVar:

ClinVar aggregate classification (germline): Pathogenic (1 of 4 stars; one submission).

Conditions:
Hereditary cancer-predisposing syndrome. Also called: Hereditary Cancer Syndrome; Neoplastic Syndromes, Hereditary; Tumor predisposition; Hereditary neoplastic syndrome. Identifiers: Orphanet 140162, MedGen C0027672, MeSH D009386, MONDO:0015356.

Submission:

Ambry Genetics
Classification: Pathogenic for Hereditary cancer-predisposing syndrome. Last evaluated: 2021-09-29. Review status: criteria provided, single submitter. Criteria: Ambry Variant Classification Scheme 2023. Collection method: clinical testing. Allele origin: germline.
Comment: The p.Y175* pathogenic mutation (also known as c.525T>A), located in coding exon 5 of the ATM gene, results from a T to A substitution at nucleotide position 525. This changes the amino acid from a tyrosine to a stop codon within coding exon 5. This variant is considered to be rare based on population cohorts in the Genome Aggregation Database (gnomAD). This alteration is expected to result in loss of function by premature protein truncation or nonsense-mediated mRNA decay. As such, this alteration is interpreted as a disease-causing mutation.

NM_000051.4(ATM):c.525T>A (p.Tyr175Ter)

Gene: ATM (ATM serine/threonine kinase; plus strand). Cytogenetic location: 11q22.3.
Variant type: single nucleotide variant.
Coding change: c.525T>A on transcript NM_000051.4 (MANE Select); coding-DNA position 525, T replaced by A.
Protein change: p.Tyr175Ter; replaces tyrosine 175 with a stop codon.
Molecular consequence: nonsense.
Genome position (GRCh38, 1-based): chr11:108,243,981, T>A. VCF-style: chr11-108243981-T-A. GRCh37 (hg19) VCF-style: chr11-108114708-T-A.
Other names: c.525T>A, p.Tyr175Ter (NM_001351834.2); short protein forms Y175*.
Identifiers: ClinVar variation 1746432 (VCV001746432.2), dbSNP rs1363186839, ClinGen allele CA382527567.
Genomic context (GRCh38, chr11:108,243,981, plus strand): 5'-ATCATGACTAATAATTTTTTTTTTTTTTTAAGAATTGTTCTCTGTGTACTTCAGGCTCTA[T>A]CTGAAACCTTCACAAGATGTTCATAGAGTTTTAGTGGCTAGAATAATTCATGCTGTTACC-3'